The following is an entry in ClinVar:

ClinVar aggregate classification (germline): Uncertain significance. Review status: criteria provided, single submitter (1 of 4 stars). 2 submissions from 2 submitters: Uncertain significance (1). 1 of the submissions does not count toward it. Last evaluated 2025-11-17.

Conditions:
NRIP1-related disorder. Also called: NRIP1-related condition.

Allele frequency attached by ClinVar (database versions not stated): TOPMed 0.00018; gnomAD exomes 0.00021; gnomAD 0.00028; ExAC 0.00046; ESP Exome Variant Server 0.00046.

Submissions (2):

Labcorp Genetics (formerly Invitae), Labcorp
Classification: Uncertain significance. Last evaluated: 2025-11-17. Review status: criteria provided, single submitter. Criteria: Invitae Variant Classification Sherloc (09022015). Collection method: clinical testing. Allele origin: germline.
Comment: This sequence change replaces methionine, which is neutral and non-polar, with valine, which is neutral and non-polar, at codon 106 of the NRIP1 protein (p.Met106Val). This variant is present in population databases (rs141953207, gnomAD 0.09%), and has an allele count higher than expected for a pathogenic variant. This variant has not been reported in the literature in individuals affected with NRIP1-related conditions. ClinVar contains an entry for this variant (Variation ID: 2057540). An algorithm developed to predict the effect of missense changes on protein structure and function outputs the following: PolyPhen-2: "Benign". The valine amino acid residue is found in multiple mammalian species, which suggests that this missense change does not adversely affect protein function. In summary, the available evidence is currently insufficient to determine the role of this variant in disease. Therefore, it has been classified as a Variant of Uncertain Significance.

PreventionGenetics, part of Exact Sciences
Classification: Likely benign for NRIP1-related condition. Last evaluated: 2024-04-08. Review status: no assertion criteria provided. Collection method: clinical testing. Allele origin: germline. Not counted in ClinVar's aggregate classification.
Comment: This variant is classified as likely benign based on ACMG/AMP sequence variant interpretation guidelines (Richards et al. 2015 PMID: 25741868, with internal and published modifications).

NM_003489.4(NRIP1):c.316A>G (p.Met106Val)

Gene: NRIP1 (nuclear receptor interacting protein 1; minus strand). Cytogenetic location: 21q11.2.
Variant type: single nucleotide variant.
Coding change: c.316A>G on transcript NM_003489.4 (MANE Select); coding-DNA position 316, A replaced by G.
Protein change: p.Met106Val; replaces methionine 106 with valine.
Molecular consequence: missense variant.
Genome position (GRCh38, 1-based): chr21:14,967,877, T>C on the plus strand (A>G on the coding strand, the complement: NRIP1 is on the minus strand). VCF-style: chr21-14967877-T-C. GRCh37 (hg19) VCF-style: chr21-16340198-T-C.
Other names: c.316A>G (NM_003489.3); short protein forms M106V.
Identifiers: ClinVar variation 2057540 (VCV002057540.5), dbSNP rs141953207, ClinGen allele CA9981513.